The following is an entry in ClinVar:

ClinVar aggregate classification (germline): Uncertain significance (1 of 4 stars; one submission).

Conditions:
Hereditary cancer-predisposing syndrome. Also called: Tumor predisposition; Hereditary neoplastic syndrome; Neoplastic Syndromes, Hereditary; Hereditary Cancer Syndrome. Identifiers: Orphanet 140162, MedGen C0027672, MeSH D009386, MONDO:0015356.

Submission:

Ambry Genetics
Classification: Uncertain significance for Hereditary cancer-predisposing syndrome. Last evaluated: 2025-04-06. Review status: criteria provided, single submitter. Criteria: Ambry Variant Classification Scheme 2023. Collection method: clinical testing. Allele origin: germline.
Comment: The p.P682S variant (also known as c.2044C>T), located in coding exon 12 of the DICER1 gene, results from a C to T substitution at nucleotide position 2044. The proline at codon 682 is replaced by serine, an amino acid with similar properties. This amino acid position is conserved. In addition, this alteration is predicted to be tolerated by in silico analysis. Based on the available evidence, the clinical significance of this variant remains unclear.

NM_177438.3(DICER1):c.2044C>T (p.Pro682Ser)

Gene: DICER1 (dicer 1, ribonuclease III; minus strand). Cytogenetic location: 14q32.13.
Variant type: single nucleotide variant.
Coding change: c.2044C>T on transcript NM_177438.3 (MANE Select); coding-DNA position 2044, C replaced by T.
Protein change: p.Pro682Ser; replaces proline 682 with serine.
Molecular consequence: missense variant. On other transcripts: non-coding transcript variant (6).
Genome position (GRCh38, 1-based): chr14:95,112,244, G>A on the plus strand (C>T on the coding strand, the complement: DICER1 is on the minus strand). VCF-style: chr14-95112244-G-A. GRCh37 (hg19) VCF-style: chr14-95578581-G-A.
Other names: c.2044C>T, p.Pro682Ser (NM_001195573.1, NM_001271282.3, NM_001291628.2 and 12 more transcripts); c.1762C>T, p.Pro588Ser (NM_001395686.1); c.1639C>T, p.Pro547Ser (NM_001395687.1, NM_001395688.1, NM_001395689.1 and 3 more transcripts); c.1477C>T, p.Pro493Ser (NM_001395691.1); c.361C>T, p.Pro121Ser (NM_001395697.1); short protein forms P588S, P121S, P547S, P682S, P493S.
Identifiers: ClinVar variation 4011619 (VCV004011619.1).
Genomic context (GRCh38, chr14:95,112,244, plus strand): 5'-GTTTCTCACAGCAAATGAGAGCTACAACTCTTTCAGCCAATCGTACACAGCTCATTGGTG[G>A]ACCCTGAAAATAACAAAAACCTTTCCATTATATATGCACATCGCTGTATTACCTCTAGCA-3'
Protein context (NP_803187.1, residues 672-692): NSPLRASIVG[Pro682Ser]PMSCVRLAER